The following is an entry in ClinVar:

NM_032043.3(BRIP1):c.2443C>T (p.Gln815Ter)

Gene: BRIP1 (BRCA1 interacting DNA helicase 1; minus strand). Cytogenetic location: 17q23.2.
Variant type: single nucleotide variant.
Coding change: c.2443C>T on transcript NM_032043.3 (MANE Select); coding-DNA position 2443, C replaced by T.
Protein change: p.Gln815Ter; replaces glutamine 815 with a stop codon.
Molecular consequence: nonsense.
Genome position (GRCh38, 1-based): chr17:61,716,000, G>A on the plus strand (C>T on the coding strand, the complement: BRIP1 is on the minus strand). VCF-style: chr17-61716000-G-A. GRCh37 (hg19) VCF-style: chr17-59793361-G-A.
Other names: short protein forms Q815*.
Identifiers: ClinVar variation 1791359 (VCV001791359.9), dbSNP rs2144381202, ClinGen allele CA400479597.

ClinVar aggregate classification (germline): Pathogenic. Review status: criteria provided, multiple submitters, no conflicts (2 of 4 stars). 3 submissions from 3 submitters: Pathogenic (3). Last evaluated 2023-06-06.

Conditions:
Hereditary cancer-predisposing syndrome. Also called: Neoplastic Syndromes, Hereditary; Tumor predisposition; Hereditary neoplastic syndrome; Hereditary Cancer Syndrome. Identifiers: Orphanet 140162, MedGen C0027672, MeSH D009386, MONDO:0015356.
Familial cancer of breast. Also called: BREAST CANCER, FAMILIAL; hereditary breast carcinoma; Hereditary breast cancer. Identifiers: Orphanet 227535, MedGen C0346153, MONDO:0016419, OMIM 114480. Disease mechanism: loss of function.
Fanconi anemia complementation group J. Also called: BRIP1-Related Fanconi Anemia. Identifiers: Orphanet 84, MedGen C1836860, MONDO:0012187, OMIM 609054.

Submissions (3):

Myriad Genetics, Inc.
Classification: Pathogenic for Familial cancer of breast. Last evaluated: 2023-06-06. Review status: criteria provided, single submitter. Criteria: Myriad Autosomal Dominant, Autosomal Recessive and X-Linked Classification Criteria (2023). Collection method: clinical testing. Allele origin: unknown.
Comment: This variant is considered pathogenic. This variant creates a termination codon and is predicted to result in premature protein truncation.

Labcorp Genetics (formerly Invitae), Labcorp
Classification: Pathogenic for Familial cancer of breast; Fanconi anemia complementation group J. Last evaluated: 2022-08-03. Review status: criteria provided, single submitter. Criteria: Invitae Variant Classification Sherloc (09022015). Collection method: clinical testing. Allele origin: germline.
Comment: This sequence change creates a premature translational stop signal (p.Gln815*) in the BRIP1 gene. It is expected to result in an absent or disrupted protein product. Loss-of-function variants in BRIP1 are known to be pathogenic (PMID: 16116423, 17033622, 21964575). This variant is not present in population databases (gnomAD no frequency). This variant has not been reported in the literature in individuals affected with BRIP1-related conditions. For these reasons, this variant has been classified as Pathogenic.

Ambry Genetics
Classification: Pathogenic for Hereditary cancer-predisposing syndrome. Last evaluated: 2021-09-29. Review status: criteria provided, single submitter. Criteria: Ambry Variant Classification Scheme 2023. Collection method: clinical testing. Allele origin: germline.
Comment: The p.Q815* pathogenic mutation (also known as c.2443C>T), located in coding exon 16 of the BRIP1 gene, results from a C to T substitution at nucleotide position 2443. This changes the amino acid from a glutamine to a stop codon within coding exon 16. This variant is considered to be rare based on population cohorts in the Genome Aggregation Database (gnomAD). This alteration is expected to result in loss of function by premature protein truncation or nonsense-mediated mRNA decay. As such, this alteration is interpreted as a disease-causing mutation.

Literature cited by the submitters: PubMed 16116423 (cited by Labcorp Genetics (formerly Invitae), Labcorp); PubMed 17033622 (cited by Labcorp Genetics (formerly Invitae), Labcorp); PubMed 21964575 (cited by Labcorp Genetics (formerly Invitae), Labcorp).